The following is an entry in ClinVar:

ClinVar aggregate classification (germline): Pathogenic (1 of 4 stars; one submission).

Submission:

GeneDx
Classification: Pathogenic. Last evaluated: 2017-10-06. Review status: criteria provided, single submitter. Criteria: GeneDx Variant Classification (06012015). Collection method: clinical testing. Allele origin: germline. Affected: yes.
Comment: The K1179X variant in the SHANK3 gene has not been reported previously as a pathogenic variantnor as a benign variant, to our knowledge. This variant is predicted to cause loss of normal protein function either through protein truncation or nonsense-mediated mRNA decay. The K1179X variant is not observed in large population cohorts (Lek et al., 2016). We interpret K1179X as a pathogenic variant.

NM_001372044.2(SHANK3):c.3760A>T (p.Lys1254Ter)

Gene: SHANK3 (SH3 and multiple ankyrin repeat domains 3; plus strand). Cytogenetic location: 22q13.33.
Variant type: single nucleotide variant.
Coding change: c.3760A>T on transcript NM_001372044.2 (MANE Select); coding-DNA position 3760, A replaced by T.
Protein change: p.Lys1254Ter; replaces lysine 1254 with a stop codon.
Molecular consequence: nonsense.
Genome position (GRCh38, 1-based): chr22:50,721,368, A>T. VCF-style: chr22-50721368-A-T. GRCh37 (hg19) VCF-style: chr22-51159796-A-T.
Other names: c.3535A>T, p.Lys1179Ter (NM_033517.1); short protein forms K1179*, K1254*.
Identifiers: ClinVar variation 452504 (VCV000452504.2), dbSNP rs771528741, ClinGen allele CA515262167.